The following is an entry in ClinVar:

ClinVar aggregate classification (germline): Benign. Review status: criteria provided, multiple submitters, no conflicts (2 of 4 stars). 3 submissions from 3 submitters: Benign (3). Last evaluated 2018-01-12.

Conditions:
Arterial tortuosity syndrome (ATORS). Identifiers: Orphanet 3342, MedGen C1859726, MONDO:0008818, OMIM 208050.

Allele frequency attached by ClinVar (database versions not stated): ESP Exome Variant Server 0.00484; 1000 Genomes Project 30x 0.00843; 1000 Genomes Project 0.00859; ExAC 0.01070; TOPMed 0.01134; gnomAD 0.01226 and 0.01295; gnomAD exomes 0.01306.
gnomAD v4.1: 22,236 of 1,541,988 alleles (1.4%); highest among the groups gnomAD compares: Middle Eastern, 2.2%; 187 homozygotes.

Submissions (3):

Illumina Laboratory Services, Illumina
Classification: Benign for Arterial tortuosity syndrome. Last evaluated: 2018-01-12. Review status: criteria provided, single submitter. Criteria: ICSL Variant Classification Criteria 13 December 2019. Collection method: clinical testing. Allele origin: germline.
Comment: This variant was observed in the ICSL laboratory as part of a predisposition screen in an ostensibly healthy population. It had not been previously curated by ICSL or reported in the Human Gene Mutation Database (HGMD: prior to June 1st, 2018), and was therefore a candidate for classification through an automated scoring system. Utilizing variant allele frequency, disease prevalence and penetrance estimates, and inheritance mode, an automated score was calculated to assess if this variant is too frequent to cause the disease. Based on the score and internal cut-off values, a variant classified as benign is not then subjected to further curation. The score for this variant resulted in a classification of benign for this disease.

GeneDx
Classification: Benign. Last evaluated: 2013-02-01. Review status: criteria provided, single submitter. Criteria: GeneDx Variant Classification (06012015). Collection method: clinical testing. Allele origin: germline. Affected: yes.
Comment: This variant is considered likely benign or benign based on one or more of the following criteria: it is a conservative change, it occurs at a poorly conserved position in the protein, it is predicted to be benign by multiple in silico algorithms, and/or has population frequency not consistent with disease.

Breakthrough Genomics
Classification: Benign. Review status: criteria provided, single submitter. Criteria: ACMG Guidelines, 2015. Collection method: not provided. Allele origin: germline. Inheritance: Autosomal recessive inheritance. Affected: yes.

NM_030777.4(SLC2A10):c.-27C>T

Gene: SLC2A10 (solute carrier family 2 member 10; plus strand). Cytogenetic location: 20q13.12.
Variant type: single nucleotide variant.
Coding change: c.-27C>T on transcript NM_030777.4 (MANE Select); 27 bases upstream of the start codon, C replaced by T.
Molecular consequence: 5 prime UTR variant.
Genome position (GRCh38, 1-based): chr20:46,709,710, C>T. VCF-style: chr20-46709710-C-T. GRCh37 (hg19) VCF-style: chr20-45338349-C-T.
Identifiers: ClinVar variation 139184 (VCV000139184.6), dbSNP rs149481442, ClinGen allele CA293567.